The following is an entry in ClinVar:

ClinVar aggregate classification (germline): Likely pathogenic (1 of 4 stars; one submission).

Conditions:
ZRSR2-related disorder.

Submission:

3billion
Classification: Likely pathogenic for ZRSR2-related disorder. Last evaluated: 2024-11-28. Review status: criteria provided, single submitter. Criteria: ACMG Guidelines, 2015. Collection method: clinical testing. Allele origin: germline. Affected: yes.
Comment: The variant is not observed in the gnomAD v4.1.0 dataset. Predicted Consequence/Location: Stop-gained (nonsense): predicted to result in a loss or disruption of normal protein function through nonsense-mediated decay (NMD) or protein truncation. Multiple pathogenic variants are reported downstream of the variant. Therefore, this variant is classified as Likely pathogenic according to the recommendation of ACMG/AMP guideline.

NM_005089.4(ZRSR2):c.883C>T (p.Arg295Ter)

Gene: ZRSR2 (zinc finger CCCH-type, RNA binding motif and serine/arginine rich 2; plus strand). Cytogenetic location: Xp22.2.
Variant type: single nucleotide variant.
Coding change: c.883C>T on transcript NM_005089.4 (MANE Select); coding-DNA position 883, C replaced by T.
Protein change: p.Arg295Ter; replaces arginine 295 with a stop codon.
Molecular consequence: nonsense.
Genome position (GRCh38, 1-based): chrX:15,820,262, C>T. VCF-style: chrX-15820262-C-T. GRCh37 (hg19) VCF-style: chrX-15838385-C-T.
Other names: short protein forms R295*.
Identifiers: ClinVar variation 4292589 (VCV004292589.1).